The following is an entry in ClinVar:

NM_001371279.1(REEP1):c.32+1G>T

Gene: REEP1 (receptor accessory protein 1; minus strand). Cytogenetic location: 2p11.2.
Variant type: single nucleotide variant.
Coding change: c.32+1G>T on transcript NM_001371279.1 (MANE Select); the canonical splice donor site of the intron after coding-DNA position 32, G replaced by T.
Molecular consequence: splice donor variant. On other transcripts: intron variant (1).
Genome position (GRCh38, 1-based): chr2:86,337,478, C>A on the plus strand (G>T on the coding strand, the complement: REEP1 is on the minus strand). VCF-style: chr2-86337478-C-A. GRCh37 (hg19) VCF-style: chr2-86564601-C-A.
Other names: c.53+546G>T (NM_001164730.2); c.24+1G>T (NM_001164731.2); c.32+1G>T (NM_001164732.2, NM_001371280.1, NM_022912.3 and 3 more transcripts).
Identifiers: ClinVar variation 986839 (VCV000986839.4), dbSNP rs1681105619, ClinGen allele CA347725420.

ClinVar aggregate classification (germline): Likely pathogenic. Review status: criteria provided, single submitter (1 of 4 stars). 3 submissions from 3 submitters: Likely pathogenic (1). 2 of the submissions do not count toward it. Last evaluated 2020-10-23.

Conditions:
REEP1-related disorder. Also called: REEP1-related condition.
Hereditary spastic paraplegia 31. Also called: SPASTIC PARAPLEGIA 31, AUTOSOMAL DOMINANT. Identifiers: Orphanet 101011, MedGen C1853247, MONDO:0012453, OMIM 610250.

Submissions (3):

Institute of Medical Genetics and Applied Genomics, University Hospital Tübingen
Classification: Likely pathogenic. Last evaluated: 2020-10-23. Review status: criteria provided, single submitter. Criteria: ACMG Guidelines, 2015. Collection method: clinical testing. Allele origin: germline. Inheritance: Autosomal dominant inheritance. Affected: yes.

PreventionGenetics, part of Exact Sciences
Classification: Likely pathogenic for REEP1-related condition. Last evaluated: 2024-04-05. Review status: no assertion criteria provided. Collection method: clinical testing. Allele origin: germline. Not counted in ClinVar's aggregate classification.
Comment: The REEP1 c.32+1G>T variant is predicted to disrupt the GT donor site and interfere with normal splicing. To our knowledge, this variant has not been reported in the literature or in a large population database, indicating this variant is rare. Variants that disrupt the consensus splice donor site in REEP1 are expected to be pathogenic. This variant is interpreted as likely pathogenic.

Solve-RD Consortium
Classification: Likely pathogenic for Hereditary spastic paraplegia 31. Last evaluated: 2022-06-01. Review status: no assertion criteria provided. Collection method: provider interpretation. Allele origin: inherited. Affected: yes. Not counted in ClinVar's aggregate classification.
Comment: Variant confirmed as disease-causing by referring clinical team

Variant identified during reanalysis of unsolved cases by the Solve-RD project. The Solve-RD project has received funding from the European Union’s Horizon 2020 research and innovation programme under grant agreement No 779257.

Literature cited by the submitters: PubMed 39825153 (cited by Solve-RD Consortium).